The following is an entry in ClinVar:

ClinVar aggregate classification (germline): Likely benign. Review status: criteria provided, multiple submitters, no conflicts (2 of 4 stars). 2 submissions from 2 submitters: Likely benign (2). Last evaluated 2018-01-13.

Conditions:
Tumoral calcinosis, hyperphosphatemic, familial, 3. Identifiers: MedGen C4693864, MONDO:0060715, OMIM 617994.

Allele frequency attached by ClinVar (database versions not stated): gnomAD 0.00071 and 0.00087; ESP Exome Variant Server 0.00047; TOPMed 0.00056; gnomAD exomes 0.00107 and 0.00147; 1000 Genomes Project 0.00120; ExAC 0.00194; 1000 Genomes Project 30x 0.00094.
gnomAD v4.1: 1,568 of 1,489,110 alleles (0.11%); highest among the groups gnomAD compares: Middle Eastern, 0.55%; 4 homozygotes.

Submissions (2):

Illumina Laboratory Services, Illumina
Classification: Likely benign for Tumoral calcinosis, hyperphosphatemic, familial, 3. Last evaluated: 2018-01-13. Review status: criteria provided, single submitter. Criteria: ICSL Variant Classification Criteria 13 December 2019. Collection method: clinical testing. Allele origin: germline.
Comment: This variant was observed in the ICSL laboratory as part of a predisposition screen in an ostensibly healthy population. It had not been previously curated by ICSL or reported in the Human Gene Mutation Database (HGMD: prior to June 1st, 2018), and was therefore a candidate for classification through an automated scoring system. Utilizing variant allele frequency, disease prevalence and penetrance estimates, and inheritance mode, an automated score was calculated to assess if this variant is too frequent to cause the disease. Based on the score and internal cut-off values, a variant classified as likely benign is not then subjected to further curation. The score for this variant resulted in a classification of likely benign for this disease.

Breakthrough Genomics
Classification: Likely benign. Review status: criteria provided, single submitter. Criteria: ACMG Guidelines, 2015. Collection method: not provided. Allele origin: germline. Inheritance: Autosomal recessive inheritance. Affected: yes.

NM_004795.4(KL):c.*32A>G

Gene: KL (klotho; plus strand). Cytogenetic location: 13q13.1.
Variant type: single nucleotide variant.
Coding change: c.*32A>G on transcript NM_004795.4 (MANE Select); 32 bases downstream of the stop codon, A replaced by G.
Molecular consequence: 3 prime UTR variant.
Genome position (GRCh38, 1-based): chr13:33,064,218, A>G. VCF-style: chr13-33064218-A-G. GRCh37 (hg19) VCF-style: chr13-33638355-A-G.
Identifiers: ClinVar variation 311712 (VCV000311712.6), dbSNP rs373955636, ClinGen allele CA6944431.